The following is an entry in ClinVar:

NM_000268.4(NF2):c.1006dup (p.Arg336fs)

Gene: NF2 (NF2, moesin-ezrin-radixin like (MERLIN) tumor suppressor; plus strand). Cytogenetic location: 22q12.2.
Variant type: Duplication.
Coding change: c.1006dup on transcript NM_000268.4 (MANE Select); coding-DNA position 1006, one base duplicated (C; older notation c.1006dupC).
Protein change: p.Arg336fs; shifts the reading frame from arginine 336.
Molecular consequence: frameshift variant. On other transcripts: non-coding transcript variant (1), intron variant (1).
Genome position (GRCh38, 1-based): chr22:29,671,832, C duplicated. VCF-style (leftmost placement, unchanged base first): chr22-29671831-G-GC. GRCh37 (hg19) VCF-style: chr22-30067820-G-GC.
Other names: c.1006dup, p.Arg336fs (NM_016418.5, NM_181825.3, NM_181832.3); c.880dup, p.Arg294fs (NM_181828.3); c.883dup, p.Arg295fs (NM_181829.3); c.757dup, p.Arg253fs (NM_181830.3, NM_181831.3); c.448-22920dup (NM_181833.3); short protein forms R295fs, R336fs, R294fs, R253fs.
Identifiers: ClinVar variation 805086 (VCV000805086.4), dbSNP rs1601643896, ClinGen allele CA915952870.

ClinVar aggregate classification (germline): Pathogenic. Review status: criteria provided, multiple submitters, no conflicts (2 of 4 stars). 2 submissions from 2 submitters: Pathogenic (2). Last evaluated 2023-08-28.

Conditions:
Neurofibromatosis, type 2 (SWNV). Also called: BILATERAL ACOUSTIC NEUROFIBROMATOSIS; NF2-Related Schwannomatosis; SCHWANNOMATOSIS, VESTIBULAR. Identifiers: Orphanet 637, MedGen C0027832, MONDO:0007039, OMIM 101000. Disease mechanism: loss of function.

Submissions (2):

Labcorp Genetics (formerly Invitae), Labcorp
Classification: Pathogenic for Neurofibromatosis, type 2. Last evaluated: 2023-08-28. Review status: criteria provided, single submitter. Criteria: Invitae Variant Classification Sherloc (09022015). Collection method: clinical testing. Allele origin: germline.
Comment: For these reasons, this variant has been classified as Pathogenic. ClinVar contains an entry for this variant (Variation ID: 805086). This variant has not been reported in the literature in individuals affected with NF2-related conditions. This variant is not present in population databases (gnomAD no frequency). This sequence change creates a premature translational stop signal (p.Arg336Profs*15) in the NF2 gene. It is expected to result in an absent or disrupted protein product. Loss-of-function variants in NF2 are known to be pathogenic (PMID: 9643284, 16983642).

Athena Diagnostics
Classification: Pathogenic. Last evaluated: 2019-05-16. Review status: criteria provided, single submitter. Criteria: Athena Diagnostics Criteria. Collection method: clinical testing. Allele origin: germline.
Comment: The variant results in a shift of the reading frame, and is therefore predicted to result in the loss of a functional protein. Found in at least one symptomatic patient, and not found in general population data.

Literature cited by the submitters: PubMed 9643284 (cited by Labcorp Genetics (formerly Invitae), Labcorp); PubMed 16983642 (cited by Labcorp Genetics (formerly Invitae), Labcorp).